The following is an entry in ClinVar:

NM_001261826.3(AP3D1):c.2575_2577dup (p.Glu859_Lys860insGlu)

Gene: AP3D1 (adaptor related protein complex 3 subunit delta 1; minus strand). Cytogenetic location: 19p13.3.
Variant type: Duplication.
Coding change: c.2575_2577dup on transcript NM_001261826.3 (MANE Select); coding-DNA positions 2575 to 2577, 3 bases duplicated (GAG; older notation c.2575_2577dupGAG).
Protein change: p.Glu859_Lys860insGlu.
Genome position (GRCh38, 1-based): chr19:2,114,149-2,114,151, CTC duplicated on the plus strand (GAG on the coding strand, the reverse complement: AP3D1 is on the minus strand); duplicating any 3 consecutive bases within chr19:2,114,149-2,114,153 gives the same sequence; the c. name uses the placement nearest the transcript's 3' end. VCF-style (leftmost placement, unchanged base first): chr19-2114148-T-TCTC. GRCh37 (hg19) VCF-style: chr19-2114147-T-TCTC.
Other names: c.2575_2577dup, p.Glu859_Lys860insGlu (NM_001374799.1, NM_003938.8).
Identifiers: ClinVar variation 3700618 (VCV003700618.2).

ClinVar aggregate classification (germline): Uncertain significance (1 of 4 stars; one submission).

Submission:

Labcorp Genetics (formerly Invitae), Labcorp
Classification: Uncertain significance. Last evaluated: 2024-05-20. Review status: criteria provided, single submitter. Criteria: Invitae Variant Classification Sherloc (09022015). Collection method: clinical testing. Allele origin: germline.
Comment: This variant, c.2575_2577dup, results in the insertion of 1 amino acid(s) of the AP3D1 protein (p.Glu859dup), but otherwise preserves the integrity of the reading frame. This variant is not present in population databases (gnomAD no frequency). This variant has not been reported in the literature in individuals affected with AP3D1-related conditions. In summary, the available evidence is currently insufficient to determine the role of this variant in disease. Therefore, it has been classified as a Variant of Uncertain Significance.